The following is an entry in ClinVar:

ClinVar aggregate classification (germline): Benign (1 of 4 stars; one submission).

Conditions:
Diabetes insipidus, nephrogenic, autosomal (NDI2). Also called: Diabetes insipidus, nephrogenic, 2, autosomal; Nephrogenic Diabetes Insipidus, Type II. Identifiers: Orphanet 223, MedGen C1563706, MONDO:0007451, OMIM 125800.

Allele frequency attached by ClinVar (database versions not stated): gnomAD exomes 0.00065; gnomAD 0.00692 and 0.00748; TOPMed 0.00791; 1000 Genomes Project 0.00839; 1000 Genomes Project 30x 0.00953.
gnomAD v4.1: 2,011 of 1,579,204 alleles (0.13%); highest among the groups gnomAD compares: African/African-American, 2.4%; 20 homozygotes.

Submission:

Illumina Laboratory Services, Illumina
Classification: Benign for Diabetes insipidus, nephrogenic, autosomal. Last evaluated: 2018-01-13. Review status: criteria provided, single submitter. Criteria: ICSL Variant Classification Criteria 13 December 2019. Collection method: clinical testing. Allele origin: germline.
Comment: This variant was observed in the ICSL laboratory as part of a predisposition screen in an ostensibly healthy population. It had not been previously curated by ICSL or reported in the Human Gene Mutation Database (HGMD: prior to June 1st, 2018), and was therefore a candidate for classification through an automated scoring system. Utilizing variant allele frequency, disease prevalence and penetrance estimates, and inheritance mode, an automated score was calculated to assess if this variant is too frequent to cause the disease. Based on the score and internal cut-off values, a variant classified as benign is not then subjected to further curation. The score for this variant resulted in a classification of benign for this disease.

NM_000486.6(AQP2):c.-59G>A

Gene: AQP2 (aquaporin 2; plus strand). Cytogenetic location: 12q13.12.
Variant type: single nucleotide variant.
Coding change: c.-59G>A on transcript NM_000486.6 (MANE Select); 59 bases upstream of the start codon, G replaced by A.
Molecular consequence: 5 prime UTR variant.
Genome position (GRCh38, 1-based): chr12:49,950,772, G>A. VCF-style: chr12-49950772-G-A. GRCh37 (hg19) VCF-style: chr12-50344555-G-A.
Identifiers: ClinVar variation 882310 (VCV000882310.4), dbSNP rs62620006, ClinGen allele CA236730782.